The following is an entry in ClinVar:

ClinVar aggregate classification (germline): Likely benign. Review status: criteria provided, single submitter (1 of 4 stars). 2 submissions from 2 submitters: Likely benign (1). 1 of the submissions does not count toward it. Last evaluated 2024-02-01.

Conditions:
SPEN-related disorder. Also called: SPEN-related condition.

Allele frequency attached by ClinVar (database versions not stated): TOPMed 0.00009; gnomAD exomes 0.00011 and 0.00013; gnomAD 0.00014 and 0.00015; ESP Exome Variant Server 0.00015; ExAC 0.00023; 1000 Genomes Project 0.00040; 1000 Genomes Project 30x 0.00062.

Submissions (2):

CeGaT Center for Human Genetics Tuebingen
Classification: Likely benign. Last evaluated: 2024-02-01. Review status: criteria provided, single submitter. Criteria: CeGaT Center For Human Genetics Tuebingen Variant Classification Criteria Version 2. Collection method: clinical testing. Allele origin: germline. Affected: yes. Observed: 2 variant alleles.
Comment: SPEN: BP4, BP7

PreventionGenetics, part of Exact Sciences
Classification: Likely benign for SPEN-related condition. Last evaluated: 2019-04-11. Review status: no assertion criteria provided. Collection method: clinical testing. Allele origin: germline. Not counted in ClinVar's aggregate classification.
Comment: This variant is classified as likely benign based on ACMG/AMP sequence variant interpretation guidelines (Richards et al. 2015 PMID: 25741868, with internal and published modifications).

NM_015001.3(SPEN):c.10020T>A (p.Ala3340=)

Gene: SPEN (spen family transcriptional repressor; plus strand). Cytogenetic location: 1p36.13.
Variant type: single nucleotide variant.
Coding change: c.10020T>A on transcript NM_015001.3 (MANE Select); coding-DNA position 10020, T replaced by A.
Protein change: p.Ala3340=; no amino-acid change (alanine 3340 retained).
Molecular consequence: synonymous variant.
Genome position (GRCh38, 1-based): chr1:15,936,260, T>A. VCF-style: chr1-15936260-T-A. GRCh37 (hg19) VCF-style: chr1-16262755-T-A.
Other names: c.10020T>A (NM_015001.2).
Identifiers: ClinVar variation 1675346 (VCV001675346.34), dbSNP rs185161098, ClinGen allele CA620626.
Genomic context (GRCh38, chr1:15,936,260, plus strand): 5'-CACACACACTCAGTTTCCCGCCGCTTCCTCTGTTGGCCTGCCTTCCCGGACCAAGACAGC[T>A]GCTCAGGTGAGCCAGCCAGGTATCTCCCCACTGTCTGTTGGGCATGTGCTTGTGGGGCTC-3'
Protein context (NP_055816.2, residues 3330-3350): SVGLPSRTKT[Ala3340=]AQGPPPEGEP